The following is an entry in ClinVar:

NM_001572.5(IRF7):c.766G>T (p.Gly256Cys)

Gene: IRF7 (interferon regulatory factor 7; minus strand). Cytogenetic location: 11p15.5.
Variant type: single nucleotide variant.
Coding change: c.766G>T on transcript NM_001572.5 (MANE Select); coding-DNA position 766, G replaced by T.
Protein change: p.Gly256Cys; replaces glycine 256 with cysteine.
Molecular consequence: missense variant. On other transcripts: intron variant (1).
Genome position (GRCh38, 1-based): chr11:613,951, C>A on the plus strand (G>T on the coding strand, the complement: IRF7 is on the minus strand). VCF-style: chr11-613951-C-A. GRCh37 (hg19) VCF-style: chr11-613951-C-A.
Other names: c.766G>T, p.Gly256Cys (LRG_1313t1); c.805G>T, p.Gly269Cys (NM_004031.4); c.680-86G>T (NM_004029.4); short protein forms G256C, G269C.
Identifiers: ClinVar variation 573531 (VCV000573531.8), dbSNP rs369330126, ClinGen allele CA378980078.

ClinVar aggregate classification (germline): Uncertain significance (1 of 4 stars; one submission).

Conditions:
Immunodeficiency 39 (IMD39). Identifiers: Orphanet 574918, MedGen C4225358, MONDO:0014597, OMIM 616345.

Submission:

Labcorp Genetics (formerly Invitae), Labcorp
Classification: Uncertain significance for Immunodeficiency 39. Last evaluated: 2025-10-09. Review status: criteria provided, single submitter. Criteria: Invitae Variant Classification Sherloc (09022015). Collection method: clinical testing. Allele origin: germline.
Comment: This sequence change replaces glycine, which is neutral and non-polar, with cysteine, which is neutral and slightly polar, at codon 269 of the IRF7 protein (p.Gly269Cys). This variant also falls at the last nucleotide of exon 5, which is part of the consensus splice site for this exon. This variant is not present in population databases (gnomAD no frequency). This variant has not been reported in the literature in individuals affected with IRF7-related conditions. ClinVar contains an entry for this variant (Variation ID: 573531). An algorithm developed to predict the effect of missense changes on protein structure and function (PolyPhen-2) suggests that this variant is likely to be disruptive. Variants that disrupt the consensus splice site are a relatively common cause of aberrant splicing (PMID: 17576681, 9536098). Algorithms developed to predict the effect of sequence changes on RNA splicing suggest that this variant may disrupt the consensus splice site. In summary, the available evidence is currently insufficient to determine the role of this variant in disease. Therefore, it has been classified as a Variant of Uncertain Significance.

Literature cited by the submitters: PubMed 17576681; PubMed 9536098.